The following is an entry in ClinVar:

ClinVar aggregate classification (germline): Uncertain significance. Review status: criteria provided, multiple submitters, no conflicts (2 of 4 stars). 2 submissions from 2 submitters: Uncertain significance (2). Last evaluated 2026-07-19.

Conditions:
Hereditary cancer-predisposing syndrome. Also called: Hereditary Cancer Syndrome; Hereditary neoplastic syndrome; Neoplastic Syndromes, Hereditary; Tumor predisposition. Identifiers: Orphanet 140162, MedGen C0027672, MeSH D009386, MONDO:0015356.
DICER1-related tumor predisposition. Also called: DICER1-related pleuropulmonary blastoma cancer predisposition syndrome; DICER1 syndrome. Identifiers: Orphanet 284343, MedGen C3839822, MONDO:0100216.

Submissions (2):

Ambry Genetics
Classification: Uncertain significance for Hereditary cancer-predisposing syndrome. Last evaluated: 2026-07-19. Review status: criteria provided, single submitter. Criteria: Ambry Variant Classification Scheme 2023. Collection method: clinical testing. Allele origin: germline.
Comment: The p.P1366S variant (also known as c.4096C>T), located in coding exon 21 of the DICER1 gene, results from a C to T substitution at nucleotide position 4096. The proline at codon 1366 is replaced by serine, an amino acid with similar properties. This amino acid position is conserved. In addition, the in silico prediction for this alteration is inconclusive. Based on the available evidence, the clinical significance of this variant remains unclear.

Labcorp Genetics (formerly Invitae), Labcorp
Classification: Uncertain significance for DICER1-related tumor predisposition. Last evaluated: 2025-07-29. Review status: criteria provided, single submitter. Criteria: Invitae Variant Classification Sherloc (09022015). Collection method: clinical testing. Allele origin: germline.
Comment: This sequence change replaces proline, which is neutral and non-polar, with serine, which is neutral and polar, at codon 1366 of the DICER1 protein (p.Pro1366Ser). This variant is not present in population databases (gnomAD no frequency). This variant has not been reported in the literature in individuals affected with DICER1-related conditions. Invitae Evidence Modeling of protein sequence and biophysical properties (such as structural, functional, and spatial information, amino acid conservation, physicochemical variation, residue mobility, and thermodynamic stability) indicates that this missense variant is not expected to disrupt DICER1 protein function with a negative predictive value of 95%. In summary, the available evidence is currently insufficient to determine the role of this variant in disease. Therefore, it has been classified as a Variant of Uncertain Significance.

NM_177438.3(DICER1):c.4096C>T (p.Pro1366Ser)

Gene: DICER1 (dicer 1, ribonuclease III; minus strand). Cytogenetic location: 14q32.13.
Variant type: single nucleotide variant.
Coding change: c.4096C>T on transcript NM_177438.3 (MANE Select); coding-DNA position 4096, C replaced by T.
Protein change: p.Pro1366Ser; replaces proline 1366 with serine.
Molecular consequence: missense variant. On other transcripts: non-coding transcript variant (6).
Genome position (GRCh38, 1-based): chr14:95,099,890, G>A on the plus strand (C>T on the coding strand, the complement: DICER1 is on the minus strand). VCF-style: chr14-95099890-G-A. GRCh37 (hg19) VCF-style: chr14-95566227-G-A.
Other names: c.4096C>T, p.Pro1366Ser (NM_001195573.1, NM_001271282.3, NM_001291628.2 and 12 more transcripts); c.3814C>T, p.Pro1272Ser (NM_001395686.1); c.3691C>T, p.Pro1231Ser (NM_001395687.1, NM_001395688.1, NM_001395689.1 and 2 more transcripts); c.3529C>T, p.Pro1177Ser (NM_001395691.1); c.2413C>T, p.Pro805Ser (NM_001395697.1); short protein forms P1272S, P805S, P1231S, P1366S, P1177S.
Identifiers: ClinVar variation 4746808 (VCV004746808.2).